The following is an entry in ClinVar:

NM_014908.4(DOLK):c.118G>A (p.Asp40Asn)

Gene: DOLK (dolichol kinase; minus strand). Cytogenetic location: 9q34.11.
Variant type: single nucleotide variant.
Coding change: c.118G>A on transcript NM_014908.4 (MANE Select); coding-DNA position 118, G replaced by A.
Protein change: p.Asp40Asn; replaces aspartic acid 40 with asparagine.
Molecular consequence: missense variant.
Genome position (GRCh38, 1-based): chr9:128,947,186, C>T on the plus strand (G>A on the coding strand, the complement: DOLK is on the minus strand). VCF-style: chr9-128947186-C-T. GRCh37 (hg19) VCF-style: chr9-131709465-C-T.
Other names: short protein forms D40N.
Identifiers: ClinVar variation 2184931 (VCV002184931.1), dbSNP rs1449204821, ClinGen allele CA375128350.

ClinVar aggregate classification (germline): Uncertain significance (1 of 4 stars; one submission).

Conditions:
DK1-congenital disorder of glycosylation. Also called: CDG Im; DK1 DEFICIENCY; DOLICHOL KINASE DEFICIENCY; DOLK-congenital disorder of glycosylation; Carbohydrate deficient glycoprotein syndrome type 1m; DK1-CDG. Identifiers: Orphanet 91131, MedGen C1835849, MONDO:0012556, OMIM 610768.

Allele frequency attached by ClinVar (database versions not stated): gnomAD exomes below 0.00001; TOPMed below 0.00001.
gnomAD v4.1: 1 of 1,613,218 alleles (0.000062%); highest among the groups gnomAD compares: African/African-American, 0.0013%; no homozygotes.

Submission:

Labcorp Genetics (formerly Invitae), Labcorp
Classification: Uncertain significance for DK1-congenital disorder of glycosylation. Last evaluated: 2022-03-13. Review status: criteria provided, single submitter. Criteria: Invitae Variant Classification Sherloc (09022015). Collection method: clinical testing. Allele origin: germline.
Comment: This sequence change replaces aspartic acid, which is acidic and polar, with asparagine, which is neutral and polar, at codon 40 of the DOLK protein (p.Asp40Asn). The frequency data for this variant in the population databases is considered unreliable, as metrics indicate poor data quality at this position in the gnomAD database. This variant has not been reported in the literature in individuals affected with DOLK-related conditions. Algorithms developed to predict the effect of missense changes on protein structure and function (SIFT, PolyPhen-2, Align-GVGD) all suggest that this variant is likely to be tolerated. In summary, the available evidence is currently insufficient to determine the role of this variant in disease. Therefore, it has been classified as a Variant of Uncertain Significance.